The following is an entry in ClinVar:

ClinVar aggregate classification (germline): Uncertain significance. Review status: criteria provided, multiple submitters, no conflicts (2 of 4 stars). 2 submissions from 2 submitters: Uncertain significance (2). Last evaluated 2025-11-11.

Conditions:
Hereditary cancer-predisposing syndrome. Also called: Hereditary neoplastic syndrome; Neoplastic Syndromes, Hereditary; Tumor predisposition; Hereditary Cancer Syndrome. Identifiers: Orphanet 140162, MedGen C0027672, MeSH D009386, MONDO:0015356.
Microcephaly, normal intelligence and immunodeficiency (NBS). Also called: IMMUNODEFICIENCY, MICROCEPHALY, AND CHROMOSOMAL INSTABILITY; SEEMANOVA SYNDROME II; Nijmegen breakage syndrome; Microcephaly with normal intelligence immunodeficiency and lymphoreticular malignancies; Nonsyndromal microcephaly autosomal recessive with normal intelligence; Seemanova syndrome 2. Identifiers: Orphanet 647, MedGen C0398791, MONDO:0009623, OMIM 251260.

Submissions (2):

Labcorp Genetics (formerly Invitae), Labcorp
Classification: Uncertain significance for Microcephaly, normal intelligence and immunodeficiency. Last evaluated: 2025-11-11. Review status: criteria provided, single submitter. Criteria: Invitae Variant Classification Sherloc (09022015). Collection method: clinical testing. Allele origin: germline.
Comment: This sequence change replaces isoleucine, which is neutral and non-polar, with lysine, which is basic and polar, at codon 162 of the NBN protein (p.Ile162Lys). This variant is not present in population databases (gnomAD no frequency). This variant has not been reported in the literature in individuals affected with NBN-related conditions. ClinVar contains an entry for this variant (Variation ID: 461567). An algorithm developed to predict the effect of missense changes on protein structure and function (PolyPhen-2) suggests that this variant is likely to be disruptive. In summary, the available evidence is currently insufficient to determine the role of this variant in disease. Therefore, it has been classified as a Variant of Uncertain Significance.

Ambry Genetics
Classification: Uncertain significance for Hereditary cancer-predisposing syndrome. Last evaluated: 2025-09-10. Review status: criteria provided, single submitter. Criteria: Ambry Variant Classification Scheme 2023. Collection method: clinical testing. Allele origin: germline.
Comment: The p.I162K variant (also known as c.485T>A), located in coding exon 5 of the NBN gene, results from a T to A substitution at nucleotide position 485. The isoleucine at codon 162 is replaced by lysine, an amino acid with dissimilar properties. This amino acid position is conserved. In addition, this alteration is predicted to be deleterious by in silico analysis. Based on the available evidence, the clinical significance of this variant remains unclear.

NM_002485.5(NBN):c.485T>A (p.Ile162Lys)

Gene: NBN (nibrin; minus strand). Cytogenetic location: 8q21.3.
Variant type: single nucleotide variant.
Coding change: c.485T>A on transcript NM_002485.5 (MANE Select); coding-DNA position 485, T replaced by A.
Protein change: p.Ile162Lys; replaces isoleucine 162 with lysine.
Molecular consequence: missense variant.
Genome position (GRCh38, 1-based): chr8:89,978,319, A>T on the plus strand (T>A on the coding strand, the complement: NBN is on the minus strand). VCF-style: chr8-89978319-A-T. GRCh37 (hg19) VCF-style: chr8-90990547-A-T.
Other names: c.239T>A, p.Ile80Lys (NM_001024688.3); short protein forms I162K, I80K.
Identifiers: ClinVar variation 461567 (VCV000461567.11), dbSNP rs1554566766, ClinGen allele CA371660719.
Genomic context (GRCh38, chr8:89,978,319, plus strand): 5'-TTCAGGAATTCAGTAAAATATTCTGGCTTTACAATTGGACGTCCACAAATGAGTGCACAT[A>T]TTGTCTACAATGAAGAAAACATGTGAATATATATATTCACATGCTAGCATTTTTTAAAGA-3'
Protein context (NP_002476.2, residues 152-172): MVSVKVTIKT[Ile162Lys]CALICGRPIV